The following is an entry in ClinVar:

NM_005334.3(HCFC1):c.4619C>T (p.Thr1540Ile)

Gene: HCFC1 (host cell factor C1; minus strand). Cytogenetic location: Xq28.
Variant type: single nucleotide variant.
Coding change: c.4619C>T on transcript NM_005334.3 (MANE Select); coding-DNA position 4619, C replaced by T.
Protein change: p.Thr1540Ile; replaces threonine 1540 with isoleucine.
Molecular consequence: missense variant.
Genome position (GRCh38, 1-based): chrX:153,952,837, G>A on the plus strand (C>T on the coding strand, the complement: HCFC1 is on the minus strand). VCF-style: chrX-153952837-G-A. GRCh37 (hg19) VCF-style: chrX-153218288-G-A.
Other names: short protein forms T1540I.
Identifiers: ClinVar variation 424226 (VCV000424226.11), dbSNP rs781788935, ClinGen allele CA10556937.

ClinVar aggregate classification (germline): Conflicting classifications of pathogenicity. Review status: criteria provided, conflicting classifications (1 of 4 stars). 3 submissions from 3 submitters: Uncertain significance (2); Likely benign (1). Last evaluated 2023-11-15.

Conditions:
Methylmalonic acidemia with homocystinuria, type cblX (MAHCX). Also called: INTELLECTUAL DEVELOPMENTAL DISORDER, X-LINKED 3. Identifiers: Orphanet 369962, MedGen C0796208, MONDO:0010657, OMIM 309541.

Allele frequency attached by ClinVar (database versions not stated): gnomAD exomes 0.00003; TOPMed 0.00002; ExAC 0.00003; gnomAD 0.00002.
gnomAD v4.1: 37 of 1,192,624 alleles (0.0031%); highest among the groups gnomAD compares: Admixed American, 0.0046%; no homozygotes.

Submissions (3):

Labcorp Genetics (formerly Invitae), Labcorp
Classification: Likely benign for Methylmalonic acidemia with homocystinuria, type cblX. Last evaluated: 2023-11-15. Review status: criteria provided, single submitter. Criteria: Invitae Variant Classification Sherloc (09022015). Collection method: clinical testing. Allele origin: germline.

GeneDx
Classification: Uncertain significance. Last evaluated: 2017-03-22. Review status: criteria provided, single submitter. Criteria: GeneDx Variant Classification (06012015). Collection method: clinical testing. Allele origin: germline. Affected: yes.
Comment: The T1540I variant has not been published as a pathogenic variant, nor has it been reported as a benign variant to our knowledge. The T1540I variant is not observed at a significant frequency in large population cohorts (Lek et al., 2016; 1000 Genomes Consortium et al., 2015; Exome Variant Server). The T1540I variant is a non-conservative amino acid substitution, which is likely to impact secondary protein structure as these residues differ in polarity, charge, size and/or other properties. This substitution occurs at a position that is not conserved, and in silico analysis predicts this variant likely does not alter the protein structure/function. In summary, based on the currently available information, it is unclear whether this variant is a pathogenic variant or a rare benign variant.

Genetic Services Laboratory, University of Chicago
Classification: Uncertain significance. Last evaluated: 2016-07-28. Review status: criteria provided, single submitter. Criteria: ACMG Guidelines, 2015. Collection method: clinical testing. Allele origin: germline. Affected: no.